The following is an entry in ClinVar:

ClinVar aggregate classification (germline): Uncertain significance (1 of 4 stars; one submission).

Submission:

Ambry Genetics
Classification: Uncertain significance. Last evaluated: 2026-08-05. Review status: criteria provided, single submitter. Criteria: Ambry Variant Classification Scheme 2023. Collection method: clinical testing. Allele origin: germline.
Comment: The c.1849delG variant, located in coding exon 14 of the RECQL gene, results from a deletion of one nucleotide at nucleotide position 1849, causing a translational frameshift with a predicted alternate stop codon (p.E617Kfs*43). This variant occurs at the 3' terminus of the gene and is not expected to trigger nonsense-mediated mRNA decay. Based on the available evidence, the clinical significance of this variant remains unclear.

NM_002907.4(RECQL):c.1849del (p.Glu617fs)

Genes: PYROXD1 (pyridine nucleotide-disulphide oxidoreductase domain 1; plus strand), RECQL (RecQ like helicase; minus strand). Cytogenetic location: 12p12.1.
Variant type: Deletion.
Coding change: c.1849del on transcript NM_002907.4 (MANE Select); coding-DNA position 1849, one base deleted (G; older notation c.1849delG).
Protein change: p.Glu617fs; shifts the reading frame from glutamic acid 617.
Molecular consequence: frameshift variant. On other transcripts: 3 prime UTR variant (3).
Genome position (GRCh38, 1-based): chr12:21,470,295, C deleted on the plus strand (G on the coding strand, the reverse complement: RECQL is on the minus strand); the first of 2 consecutive C bases (chr12:21,470,295-21,470,296); deleting either gives the same sequence. VCF-style (leftmost placement, unchanged base first): chr12-21470294-TC-T. GRCh37 (hg19) VCF-style: chr12-21623228-TC-T.
Other names: c.1849del, p.Glu617fs (NM_032941.3); c.*1542del (NM_001350912.2, NM_001350913.2, NM_024854.5); short protein forms E617fs.
Identifiers: ClinVar variation 1781291 (VCV001781291.3), dbSNP rs753545952, ClinGen allele CA6478603.